The following is an entry in ClinVar:

ClinVar aggregate classification (germline): Uncertain significance (1 of 4 stars; one submission).

Conditions:
Cardiovascular phenotype. Identifiers: MedGen CN230736.

Submission:

Ambry Genetics
Classification: Uncertain significance for Cardiovascular phenotype. Last evaluated: 2026-03-26. Review status: criteria provided, single submitter. Criteria: Ambry Variant Classification Scheme 2023. Collection method: clinical testing. Allele origin: germline.
Comment: The p.G801V variant (also known as c.2402G>T), located in coding exon 15 of the CBL gene, results from a G to T substitution at nucleotide position 2402. The glycine at codon 801 is replaced by valine, an amino acid with dissimilar properties. This amino acid position is conserved. In addition, this alteration is predicted to be tolerated by in silico analysis. Based on the available evidence, the clinical significance of this variant remains unclear.

NM_005188.4(CBL):c.2402G>T (p.Gly801Val)

Gene: CBL (Cbl proto-oncogene; plus strand). Cytogenetic location: 11q23.3.
Variant type: single nucleotide variant.
Coding change: c.2402G>T on transcript NM_005188.4 (MANE Select); coding-DNA position 2402, G replaced by T.
Protein change: p.Gly801Val; replaces glycine 801 with valine.
Molecular consequence: missense variant.
Genome position (GRCh38, 1-based): chr11:119,298,508, G>T. VCF-style: chr11-119298508-G-T. GRCh37 (hg19) VCF-style: chr11-119169218-G-T.
Other names: short protein forms G801V.
Identifiers: ClinVar variation 4868207 (VCV004868207.1).